The following is an entry in ClinVar:

NM_007254.4(PNKP):c.636+12C>T

Gene: PNKP (polynucleotide kinase 3'-phosphatase; minus strand). Cytogenetic location: 19q13.33.
Variant type: single nucleotide variant.
Coding change: c.636+12C>T on transcript NM_007254.4 (MANE Select); 12 bases into the intron after coding-DNA position 636, C replaced by T.
Molecular consequence: intron variant.
Genome position (GRCh38, 1-based): chr19:49,864,167, G>A on the plus strand (C>T on the coding strand, the complement: PNKP is on the minus strand). VCF-style: chr19-49864167-G-A. GRCh37 (hg19) VCF-style: chr19-50367424-G-A.
Identifiers: ClinVar variation 378396 (VCV000378396.7), dbSNP rs768950578, ClinGen allele CA9586866.
Genomic context (GRCh38, chr19:49,864,167, plus strand): 5'-ACCAGGGCCTTGGTCTGACTGCGGTCGGACCGCCACGTGCACGTGCCCATGCAGACAGGC[G>A]GCTGCACATACCTTGTAGCCCTCGGCTTCCAGCTCTCGGAGCTTACGGGGAATCTCTGGG-3'

ClinVar aggregate classification (germline): Likely benign. Review status: criteria provided, multiple submitters, no conflicts (2 of 4 stars). 3 submissions from 3 submitters: Likely benign (3). Last evaluated 2025-02-26.

Conditions:
Developmental and epileptic encephalopathy, 12 (DEE12). Identifiers: MedGen C3150988, MONDO:0013389, OMIM 613722.

Allele frequency attached by ClinVar (database versions not stated): gnomAD 0.00001; ExAC 0.00002; gnomAD exomes 0.00002 and 0.00004; TOPMed 0.00002.
gnomAD v4.1: 60 of 1,613,788 alleles (0.0037%); highest among the groups gnomAD compares: East Asian, 0.0067%; no homozygotes.

Submissions (3):

Labcorp Genetics (formerly Invitae), Labcorp
Classification: Likely benign for Developmental and epileptic encephalopathy, 12. Last evaluated: 2025-02-26. Review status: criteria provided, single submitter. Criteria: Invitae Variant Classification Sherloc (09022015). Collection method: clinical testing. Allele origin: germline.

Blueprint Genetics
Classification: Likely benign. Last evaluated: 2020-12-23. Review status: criteria provided, single submitter. Criteria: ACMG Guidelines, 2015. Collection method: clinical testing. Allele origin: germline.

GeneDx
Classification: Likely benign. Last evaluated: 2016-07-18. Review status: criteria provided, single submitter. Criteria: GeneDx Variant Classification (06012015). Collection method: clinical testing. Allele origin: germline. Affected: yes.
Comment: This variant is considered likely benign or benign based on one or more of the following criteria: it is a conservative change, it occurs at a poorly conserved position in the protein, it is predicted to be benign by multiple in silico algorithms, and/or has population frequency not consistent with disease.